The following is an entry in ClinVar:

NM_000384.3(APOB):c.8605C>T (p.Leu2869Phe)

Gene: APOB (apolipoprotein B; minus strand). Cytogenetic location: 2p24.1.
Variant type: single nucleotide variant.
Coding change: c.8605C>T on transcript NM_000384.3 (MANE Select); coding-DNA position 8605, C replaced by T.
Protein change: p.Leu2869Phe; replaces leucine 2869 with phenylalanine.
Molecular consequence: missense variant.
Genome position (GRCh38, 1-based): chr2:21,008,263, G>A on the plus strand (C>T on the coding strand, the complement: APOB is on the minus strand). VCF-style: chr2-21008263-G-A. GRCh37 (hg19) VCF-style: chr2-21231135-G-A.
Other names: short protein forms L2869F.
Identifiers: ClinVar variation 1006559 (VCV001006559.11), dbSNP rs1663206151, ClinGen allele CA345993763.

ClinVar aggregate classification (germline): Uncertain significance (1 of 4 stars; one submission).

Conditions:
Familial hypobetalipoproteinemia 1. Also called: APOB-Related Familial Hypobetalipoproteinemia; Hypobetalipoproteinemia, normotriglyceridemic; Acanthocytosis with hypobetalipoproteinemia. Identifiers: MedGen C4551990, MONDO:0014252, OMIM 615558.
Hypercholesterolemia, autosomal dominant, type B (FHCL2). Also called: APOLIPOPROTEIN B-100, FAMILIAL DEFECTIVE; APOLIPOPROTEIN B-100, FAMILIAL LIGAND-DEFECTIVE; HYPERCHOLESTEROLEMIA, FAMILIAL, DUE TO LIGAND-DEFECTIVE APOLIPOPROTEIN B; Hyperlipoproteinemia Type IIb; Familial hypercholesterolemia 2; Familial Hypercholesterolemia Type B. Identifiers: MedGen C1704417, MONDO:0007751, OMIM 144010.

Submission:

Labcorp Genetics (formerly Invitae), Labcorp
Classification: Uncertain significance for Familial hypobetalipoproteinemia 1; Hypercholesterolemia, autosomal dominant, type B. Last evaluated: 2020-06-30. Review status: criteria provided, single submitter. Criteria: Invitae Variant Classification Sherloc (09022015). Collection method: clinical testing. Allele origin: germline.
Comment: This variant has not been reported in the literature in individuals with APOB-related conditions. This variant is not present in population databases (ExAC no frequency). This sequence change replaces leucine with phenylalanine at codon 2869 of the APOB protein (p.Leu2869Phe). The leucine residue is weakly conserved and there is a small physicochemical difference between leucine and phenylalanine. Algorithms developed to predict the effect of missense changes on protein structure and function output the following: SIFT: "Tolerated"; PolyPhen-2: "Benign"; Align-GVGD: "Class C0". The phenylalanine amino acid residue is found in multiple mammalian species, suggesting that this missense change does not adversely affect protein function. These predictions have not been confirmed by published functional studies and their clinical significance is uncertain. In summary, the available evidence is currently insufficient to determine the role of this variant in disease. Therefore, it has been classified as a Variant of Uncertain Significance.